The following continues an entry in ClinVar:

NM_000232.5(SGCB):c.341C>T (p.Ser114Phe)

Gene: SGCB. ClinVar aggregate classification (germline): Pathogenic. Pathogenic (1).

Submissions 11 to 21 of 21:

AiLife Diagnostics
Classification: Pathogenic. Last evaluated: 2021-06-28. Review status: criteria provided, single submitter. Criteria: ACMG Guidelines, 2015. Collection method: clinical testing. Allele origin: germline. Affected: yes. Observed: 1 variant allele. Not counted in ClinVar's aggregate classification.

Institute of Medical Genetics and Applied Genomics, University Hospital Tübingen
Classification: Pathogenic. Last evaluated: 2020-10-23. Review status: criteria provided, single submitter. Criteria: ACMG Guidelines, 2015. Collection method: clinical testing. Allele origin: germline. Inheritance: Autosomal recessive inheritance. Affected: yes. Not counted in ClinVar's aggregate classification.

Myriad Genetics, Inc.
Classification: Pathogenic for Autosomal recessive limb-girdle muscular dystrophy type 2E. Last evaluated: 2019-11-11. Review status: criteria provided, single submitter. Criteria: Myriad Women's Health Autosomal Recessive and X-Linked Classification Criteria (2019). Collection method: clinical testing. Allele origin: unknown. Not counted in ClinVar's aggregate classification.
Comment: NM_000232.4(SGCB):c.341C>T(S114F) is classified as pathogenic in the context of beta-sarcoglycanopathy. Sources cited for classification include the following: PMID 22095924, 10993494, 10942431, 18285821, 9032047, and 18996010. Classification of NM_000232.4(SGCB):c.341C>T(S114F) is based on the following criteria: This is a well-established pathogenic variant in the literature that has been observed more frequently in patients with clinical diagnoses than in healthy populations. Please note: this variant was assessed in the context of healthy population screening.

Broad Center for Mendelian Genomics, Broad Institute of MIT and Harvard
Classification: Pathogenic for Autosomal recessive limb-girdle muscular dystrophy type 2E. Last evaluated: 2018-12-03. Review status: criteria provided, single submitter. Criteria: ACMG Guidelines, 2015. Collection method: research. Allele origin: germline. Inheritance: Autosomal recessive inheritance. Affected: yes. Not counted in ClinVar's aggregate classification.
Comment: This variant has been identified in 0.02706% (75/277202) of chromosomes in the Genome Aggregation Database (gnomAD; dbSNP rs150518260). Although this variant has been seen in the general population, its frequency is low enough to be consistent with a recessive carrier frequency. The p.Ser114Phe variant in SGCB has been reported in more than 62 individuals with Limb-Girdle Muscular Dystrophy in the homozygous and heterozygous state (PMID: 22095924, 25862795, 25135358). The presence of this variant in combination with many other possibly pathogenic variants and in individuals with LGMD increases the likelihood that the p.Ser114Phe variant is pathogenic. In vitro functional studies provide some evidence that the p.Ser114Phe variant may impact protein function by impairing membrane localization (PMID: 22095924). This variant has also been reported pathogenic in ClinVar by multiple submitters (Variation ID: 42035). In summary, the clinical significance of the p.Ser114Phe variant is pathogenic. ACMG/AMP Criteria applied: PM2, PP3, PS3, PM3_Strong (Richards 2015).

Eurofins Ntd Llc (ga)
Classification: Pathogenic. Last evaluated: 2018-07-05. Review status: criteria provided, single submitter. Criteria: EGL ClinVar v180209 classification definitions. Collection method: clinical testing. Allele origin: germline. Observed: 25 variant alleles, 18 heterozygotes, 7 homozygotes. Not counted in ClinVar's aggregate classification.

SIB Swiss Institute of Bioinformatics
Classification: Likely pathogenic for Autosomal recessive limb-girdle muscular dystrophy type 2E. Last evaluated: 2018-05-31. Review status: criteria provided, single submitter. Criteria: ACMG Guidelines, 2015. Collection method: curation. Allele origin: unknown. Not counted in ClinVar's aggregate classification.
Comment: This variant is interpreted as a Likely Pathogenic, for Muscular dystrophy, limb-girdle, type 2E, in Autosomal Recessive manner. The following ACMG Tag(s) were applied: PP3 => Multiple lines of computational evidence support a deleterious effect on the gene or gene product. PM2-Supporting => PM2 downgraded in strength to Supporting. PS4-Supporting => Recurrent mutation observed in multiple unrelated patients. (PMID:9032047,20071171,18285821,25135358,25862795). PS3 => Well-established functional studies show a deleterious effect (PMID:22095924).

Clinical Genetics and Genomics, Karolinska University Hospital
Classification: Likely pathogenic. Last evaluated: 2017-10-26. Review status: criteria provided, single submitter. Criteria: ACMG Guidelines, 2015. Collection method: clinical testing. Allele origin: germline. Affected: yes. Observed: 2 variant alleles. Not counted in ClinVar's aggregate classification.

Illumina Laboratory Services, Illumina
Classification: Pathogenic for Beta-sarcoglycanopathy. Last evaluated: 2016-09-25. Review status: criteria provided, single submitter. Criteria: ICSL Variant Classification Criteria 09 May 2019. Collection method: clinical testing. Allele origin: germline. Not counted in ClinVar's aggregate classification.
Comment: The SGCB c.341C>T (p.Ser114Phe) missense variant has been reported in at least five studies in which it has been identified in a homozygous state in eight individuals with sarcoglycanopathy, in a compound heterozygous state in three affected individuals, and in a heterozygous state in two affected individuals in whom a second variant was not identified (Duggan et al. 1997; Crosbie et al. 2000; Trabelsi et al. 2008; Klinge et al. 2008; Wong-Kisiel et al. 2010). The p.Ser114Phe variant was absent from 50 controls and is reported at a frequency of 0.00047 in the European-American population of the Exome Sequencing Project. Transfection of the p.Ser114Phe variant into HER-911 cells demonstrated accumulation of the protein in the endoplasmic reticulum, indicating the variant disrupts transport of the protein to the cell surface (Soheili et al. 2011). Based on the evidence, the p.Ser114Phe variant is classified as pathogenic for beta-sarcoglycanopathy. This variant was observed by ICSL as part of a predisposition screen in an ostensibly healthy population.

Athena Diagnostics
Classification: Pathogenic for Limb-girdle muscular dystrophy, type 2E. Last evaluated: 2015-03-05. Review status: criteria provided, single submitter. Criteria: Athena Diagnostics Criteria. Collection method: clinical testing. Allele origin: germline. Inheritance: Autosomal recessive inheritance. Not counted in ClinVar's aggregate classification.

Ambry Genetics
Classification: Pathogenic for Inborn genetic diseases. Last evaluated: 2014-09-07. Review status: criteria provided, single submitter. Criteria: Ambry exome assertion method (8-5-2015). Collection method: clinical testing. Allele origin: germline. Affected: yes. Observed: 1 variant allele. Not counted in ClinVar's aggregate classification.

Biesecker Lab/Clinical Genomics Section, National Institutes of Health
Classification: Pathogenic for Autosomal recessive limb-girdle muscular dystrophy type 2E. Last evaluated: 2014-10-29. Review status: no assertion criteria provided. Collection method: curation. Allele origin: germline. Study: CSER_ClinSeq. Not counted in ClinVar's aggregate classification.

Literature cited by the submitters: PubMed 25862795 (cited by 5 submitters); PubMed 26404900 (cited by Natera, Inc. and Labcorp Genetics (formerly Invitae), Labcorp); PubMed 18996010 (cited by 4 submitters); PubMed 9032047 (cited by 8 submitters); PubMed 10942431 (cited by 5 submitters); PubMed 18285821 (cited by 6 submitters); PubMed 20071171 (cited by 4 submitters); PubMed 23349452 (cited by Labcorp Genetics (formerly Invitae), Labcorp and AiLife Diagnostics); PubMed 25135358 (cited by 3 submitters); PubMed 22095924 (cited by 8 submitters); PubMed 26990548 (cited by AiLife Diagnostics and Ambry Genetics); PubMed 31980526 (cited by AiLife Diagnostics); PubMed 30564623 (cited by AiLife Diagnostics); PubMed 30919934 (cited by AiLife Diagnostics); PubMed 32528171 (cited by AiLife Diagnostics); PubMed 10993494 (cited by Myriad Genetics, Inc.).